The following is an entry in ClinVar:

ClinVar aggregate classification (germline): Uncertain significance (1 of 4 stars; one submission).

Conditions:
Hereditary sensory and autonomic neuropathy type 7. Also called: Neuropathy, hereditary sensory and autonomic, type VII; HSAN VII. Identifiers: Orphanet 391397, MedGen C3809882, MONDO:0014244, OMIM 615548.
Familial episodic pain syndrome with predominantly lower limb involvement. Also called: Episodic pain syndrome, familial, 3. Identifiers: Orphanet 391384, Orphanet 391392, MedGen C3809899, MONDO:0014247, OMIM 615552.

Submission:

Labcorp Genetics (formerly Invitae), Labcorp
Classification: Uncertain significance for Familial episodic pain syndrome with predominantly lower limb involvement; Hereditary sensory and autonomic neuropathy type 7. Last evaluated: 2022-08-23. Review status: criteria provided, single submitter. Criteria: Invitae Variant Classification Sherloc (09022015). Collection method: clinical testing. Allele origin: germline.
Comment: This sequence change replaces alanine, which is neutral and non-polar, with serine, which is neutral and polar, at codon 1538 of the SCN11A protein (p.Ala1538Ser). This variant is not present in population databases (gnomAD no frequency). This variant has not been reported in the literature in individuals affected with SCN11A-related conditions. ClinVar contains an entry for this variant (Variation ID: 1377102). Algorithms developed to predict the effect of missense changes on protein structure and function output the following: SIFT: "Tolerated"; PolyPhen-2: "Benign"; Align-GVGD: "Class C0". The serine amino acid residue is found in multiple mammalian species, which suggests that this missense change does not adversely affect protein function. In summary, the available evidence is currently insufficient to determine the role of this variant in disease. Therefore, it has been classified as a Variant of Uncertain Significance.

NM_001349253.2(SCN11A):c.4612G>T (p.Ala1538Ser)

Gene: SCN11A (sodium voltage-gated channel alpha subunit 11; minus strand). Cytogenetic location: 3p22.2.
Variant type: single nucleotide variant.
Coding change: c.4612G>T on transcript NM_001349253.2 (MANE Select); coding-DNA position 4612, G replaced by T.
Protein change: p.Ala1538Ser; replaces alanine 1538 with serine.
Molecular consequence: missense variant.
Genome position (GRCh38, 1-based): chr3:38,847,458, C>A on the plus strand (G>T on the coding strand, the complement: SCN11A is on the minus strand). VCF-style: chr3-38847458-C-A. GRCh37 (hg19) VCF-style: chr3-38888949-C-A.
Other names: c.4612G>T, p.Ala1538Ser (NM_014139.3); short protein forms A1538S.
Identifiers: ClinVar variation 1377102 (VCV001377102.6), dbSNP rs2064691553, ClinGen allele CA352163184.